The following is an entry in ClinVar:

ClinVar aggregate classification (germline): Uncertain significance. Review status: criteria provided, multiple submitters, no conflicts (2 of 4 stars). 4 submissions from 4 submitters: Uncertain significance (4). Last evaluated 2025-05-13.

Conditions:
Fanconi anemia complementation group J. Also called: BRIP1-Related Fanconi Anemia. Identifiers: Orphanet 84, MedGen C1836860, MONDO:0012187, OMIM 609054.
Familial cancer of breast. Also called: hereditary breast carcinoma; Hereditary breast cancer; BREAST CANCER, FAMILIAL. Identifiers: Orphanet 227535, MedGen C0346153, MONDO:0016419, OMIM 114480. Disease mechanism: loss of function.
Hereditary cancer-predisposing syndrome. Also called: Neoplastic Syndromes, Hereditary; Hereditary neoplastic syndrome; Hereditary Cancer Syndrome; Tumor predisposition. Identifiers: Orphanet 140162, MedGen C0027672, MeSH D009386, MONDO:0015356.

Allele frequency attached by ClinVar (database versions not stated): gnomAD exomes below 0.00001.
gnomAD v4.1: 1 of 1,613,398 alleles (0.000062%); highest among the groups gnomAD compares: Non-Finnish European, 0.000085%; no homozygotes.

Submissions (4):

GeneDx
Classification: Uncertain significance. Last evaluated: 2025-05-13. Review status: criteria provided, single submitter. Criteria: GeneDx Variant Classification Process June 2021. Collection method: clinical testing. Allele origin: germline. Affected: yes.
Comment: Not observed at significant frequency in large population cohorts (gnomAD); In silico analysis supports that this missense variant has a deleterious effect on protein structure/function; Observed in a patient with breast cancer (PMID: 34326862); This variant is associated with the following publications: (PMID: 34326862)

Labcorp Genetics (formerly Invitae), Labcorp
Classification: Uncertain significance for Familial cancer of breast; Fanconi anemia complementation group J. Last evaluated: 2024-07-30. Review status: criteria provided, single submitter. Criteria: Invitae Variant Classification Sherloc (09022015). Collection method: clinical testing. Allele origin: germline.
Comment: This sequence change replaces leucine, which is neutral and non-polar, with proline, which is neutral and non-polar, at codon 530 of the BRIP1 protein (p.Leu530Pro). This variant is not present in population databases (gnomAD no frequency). This missense change has been observed in individual(s) with clinical features of BRIP1-related conditions (PMID: 34326862). ClinVar contains an entry for this variant (Variation ID: 658713). Advanced modeling of protein sequence and biophysical properties (such as structural, functional, and spatial information, amino acid conservation, physicochemical variation, residue mobility, and thermodynamic stability) performed at Invitae indicates that this missense variant is expected to disrupt BRIP1 protein function with a positive predictive value of 80%. In summary, the available evidence is currently insufficient to determine the role of this variant in disease. Therefore, it has been classified as a Variant of Uncertain Significance.

Color Diagnostics, LLC DBA Color Health
Classification: Uncertain significance for Hereditary cancer-predisposing syndrome. Last evaluated: 2024-03-07. Review status: criteria provided, single submitter. Criteria: ACMG Guidelines, 2015. Collection method: clinical testing. Allele origin: germline.
Comment: This missense variant replaces leucine with proline at codon 530 of the BRIP1 protein. Computational prediction tool suggests that this variant may have deleterious impact on protein structure and function (internally defined REVEL score threshold >= 0.7, PMID: 27666373). Splice site prediction tools suggest that this variant may not impact RNA splicing. To our knowledge, functional studies have not been performed for this variant. This variant has not been reported in individuals affected with hereditary cancer in the literature. This variant has not been identified in the general population by the Genome Aggregation Database (gnomAD). The available evidence is insufficient to determine the role of this variant in disease conclusively. Therefore, this variant is classified as a Variant of Uncertain Significance.

Ambry Genetics
Classification: Uncertain significance for Hereditary cancer-predisposing syndrome. Last evaluated: 2024-02-14. Review status: criteria provided, single submitter. Criteria: Ambry Variant Classification Scheme 2023. Collection method: clinical testing. Allele origin: germline.
Comment: The p.L530P variant (also known as c.1589T>C), located in coding exon 10 of the BRIP1 gene, results from a T to C substitution at nucleotide position 1589. The leucine at codon 530 is replaced by proline, an amino acid with similar properties. This variant was identified in a patient with bilateral breast cancers and family history of ovarian cancer as part of a large Canadian cohort study of 2870 individuals (Bhai P et al. Front Genet, 2021 Jul;12:698595). This amino acid position is conserved. In addition, this alteration is predicted to be deleterious by in silico analysis. Based on the available evidence, the clinical significance of this alteration remains unclear.

Literature cited by the submitters: PubMed 34326862 (cited by Labcorp Genetics (formerly Invitae), Labcorp and Ambry Genetics).

NM_032043.3(BRIP1):c.1589T>C (p.Leu530Pro)

Gene: BRIP1 (BRCA1 interacting DNA helicase 1; minus strand). Cytogenetic location: 17q23.2.
Variant type: single nucleotide variant.
Coding change: c.1589T>C on transcript NM_032043.3 (MANE Select); coding-DNA position 1589, T replaced by C.
Protein change: p.Leu530Pro; replaces leucine 530 with proline.
Molecular consequence: missense variant.
Genome position (GRCh38, 1-based): chr17:61,784,309, A>G on the plus strand (T>C on the coding strand, the complement: BRIP1 is on the minus strand). VCF-style: chr17-61784309-A-G. GRCh37 (hg19) VCF-style: chr17-59861670-A-G.
Other names: short protein forms L530P.
Identifiers: ClinVar variation 658713 (VCV000658713.17), dbSNP rs1603336923, ClinGen allele CA400481034.